The following is an entry in ClinVar:

NM_001253697.2(ERBIN):c.3634-3271A>T

Gene: ERBIN (erbb2 interacting protein; plus strand). Cytogenetic location: 5q12.3.
Variant type: single nucleotide variant.
Coding change: c.3634-3271A>T on transcript NM_001253697.2 (MANE Select); 3271 bases into the intron before coding-DNA position 3634, A replaced by T.
Molecular consequence: intron variant. On other transcripts: missense variant (1).
Genome position (GRCh38, 1-based): chr5:66,068,898, A>T. VCF-style: chr5-66068898-A-T. GRCh37 (hg19) VCF-style: chr5-65364726-A-T.
Other names: c.3655A>T, p.Asn1219Tyr (NM_001253699.2); c.3634-6126A>T (NM_018695.4, NM_001253698.2); c.3634-7418A>T (NM_001006600.3); c.3622-6126A>T (NM_001253701.2); c.3655A>T (NM_001253699.1); short protein forms N1219Y.
Identifiers: ClinVar variation 3025371 (VCV003025371.24), dbSNP rs547628959, ClinGen allele CA3286701.

ClinVar aggregate classification (germline): Likely benign. Review status: criteria provided, multiple submitters, no conflicts (2 of 4 stars). 3 submissions from 3 submitters: Likely benign (3). Last evaluated 2026-07-01.

Conditions:
ERBIN-related disorder. Also called: ERBIN-related condition.

Allele frequency attached by ClinVar (database versions not stated): TOPMed 0.00077; gnomAD 0.00078; gnomAD exomes 0.00081; 1000 Genomes Project 30x 0.00203; 1000 Genomes Project 0.00220; ExAC 0.00312.
gnomAD v4.1: 1,277 of 1,535,402 alleles (0.083%); highest among the groups gnomAD compares: South Asian, 0.39%; 5 homozygotes.

Submissions (3):

CeGaT Center for Human Genetics Tuebingen
Classification: Likely benign. Last evaluated: 2026-07-01. Review status: criteria provided, single submitter. Criteria: CeGaT Center For Human Genetics Tuebingen Variant Classification Criteria Version 2. Collection method: clinical testing. Allele origin: germline. Affected: yes. Observed: 2 variant alleles.
Comment: ERBIN: BP4, BS2

Blueprint Genetics
Classification: Likely benign. Last evaluated: 2024-11-08. Review status: criteria provided, single submitter. Criteria: ACMG Guidelines, 2015. Collection method: clinical testing. Allele origin: germline.

PreventionGenetics, part of Exact Sciences
Classification: Likely benign for ERBIN-related condition. Last evaluated: 2024-10-30. Review status: criteria provided, single submitter. Criteria: ACMG Guidelines, 2015. Collection method: clinical testing. Allele origin: germline.
Comment: This variant is classified as likely benign based on ACMG/AMP sequence variant interpretation guidelines (Richards et al. 2015 PMID: 25741868, with internal and published modifications).